The following is an entry in ClinVar:

NM_004239.4(TRIP11):c.5307G>A (p.Met1769Ile)

Gene: TRIP11 (thyroid hormone receptor interactor 11; minus strand). Cytogenetic location: 14q32.12.
Variant type: single nucleotide variant.
Coding change: c.5307G>A on transcript NM_004239.4 (MANE Select); coding-DNA position 5307, G replaced by A.
Protein change: p.Met1769Ile; replaces methionine 1769 with isoleucine.
Molecular consequence: missense variant.
Genome position (GRCh38, 1-based): chr14:91,976,143, C>T on the plus strand (G>A on the coding strand, the complement: TRIP11 is on the minus strand). VCF-style: chr14-91976143-C-T. GRCh37 (hg19) VCF-style: chr14-92442487-C-T.
Other names: c.5304G>A, p.Met1768Ile (NM_001321851.1); short protein forms M1769I, M1768I.
Identifiers: ClinVar variation 1484108 (VCV001484108.25), dbSNP rs199834800, ClinGen allele CA7313203.
Genomic context (GRCh38, chr14:91,976,143, plus strand): 5'-CAAACATTAAAAGCAAAAAGCATACTTGTCTACTTTTCCTTCTGAGCTGTTTGCTAAGCT[C>T]ATCAATTTCTTTTGTACATCATCCAGCATTTCTTGTCGGAGCTCATCTGTTGTAAAATAT-3'
Protein context (NP_004230.2, residues 1759-1779): EMLDDVQKKL[Met1769Ile]SLANSSEGKV

ClinVar aggregate classification (germline): Uncertain significance. Review status: criteria provided, multiple submitters, no conflicts (2 of 4 stars). 2 submissions from 2 submitters: Uncertain significance (2). Last evaluated 2023-12-01.

Conditions:
Achondrogenesis, type IA (ACG1A). Identifiers: Orphanet 932, Orphanet 93299, MedGen C0265273, MONDO:0008701, OMIM 200600.

Allele frequency attached by ClinVar (database versions not stated): gnomAD 0.00006; TOPMed 0.00007; ExAC 0.00009; gnomAD exomes 0.00011.

Submissions (2):

CeGaT Center for Human Genetics Tuebingen
Classification: Uncertain significance. Last evaluated: 2023-12-01. Review status: criteria provided, single submitter. Criteria: CeGaT Center For Human Genetics Tuebingen Variant Classification Criteria Version 2. Collection method: clinical testing. Allele origin: germline. Affected: yes. Observed: 1 variant allele.

Labcorp Genetics (formerly Invitae), Labcorp
Classification: Uncertain significance for Achondrogenesis, type IA. Last evaluated: 2022-06-04. Review status: criteria provided, single submitter. Criteria: Invitae Variant Classification Sherloc (09022015). Collection method: clinical testing. Allele origin: germline.
Comment: This sequence change replaces methionine, which is neutral and non-polar, with isoleucine, which is neutral and non-polar, at codon 1769 of the TRIP11 protein (p.Met1769Ile). This variant is present in population databases (rs199834800, gnomAD 0.2%). This variant has not been reported in the literature in individuals affected with TRIP11-related conditions. ClinVar contains an entry for this variant (Variation ID: 1484108). Algorithms developed to predict the effect of missense changes on protein structure and function are either unavailable or do not agree on the potential impact of this missense change (SIFT: "Not Available"; PolyPhen-2: "Benign"; Align-GVGD: "Not Available"). In summary, the available evidence is currently insufficient to determine the role of this variant in disease. Therefore, it has been classified as a Variant of Uncertain Significance.